The following is an entry in ClinVar:

ClinVar aggregate classification (germline): Pathogenic (1 of 4 stars; one submission).

Conditions:
Thrombophilia due to protein S deficiency, autosomal recessive (THPH6). Identifiers: Orphanet 743, MedGen C3281092, MONDO:0013791, OMIM 614514. Disease mechanism: loss of function.

Submission:

Labcorp Genetics (formerly Invitae), Labcorp
Classification: Pathogenic for Thrombophilia due to protein S deficiency, autosomal recessive. Last evaluated: 2019-09-07. Review status: criteria provided, single submitter. Criteria: Invitae Variant Classification Sherloc (09022015). Collection method: clinical testing. Allele origin: germline.
Comment: This variant has been observed to segregate with protein S deficiency in families (PMID: 10790208, 18435454). This variant is also known as M599T in the literature. This variant has been reported to affect PROS1 protein function (PMID: 18322254). This variant disrupts the p.Met640 amino acid residue in PROS1. Other variant(s) that disrupt this residue have been observed in individuals with PROS1-related conditions (PMID: 8841302), which suggests that this may be a clinically significant amino acid residue. For these reasons, this variant has been classified as Pathogenic. This variant is not present in population databases (ExAC no frequency). This sequence change replaces methionine with threonine at codon 640 of the PROS1 protein (p.Met640Thr). The methionine residue is highly conserved and there is a moderate physicochemical difference between methionine and threonine.

Literature cited by the submitters: PubMed 10790208; PubMed 18435454; PubMed 18322254; PubMed 8841302.

NM_000313.4(PROS1):c.1919T>C (p.Met640Thr)

Gene: PROS1 (protein S; minus strand). Cytogenetic location: 3q11.1.
Variant type: single nucleotide variant.
Coding change: c.1919T>C on transcript NM_000313.4 (MANE Select); coding-DNA position 1919, T replaced by C.
Protein change: p.Met640Thr; replaces methionine 640 with threonine.
Molecular consequence: missense variant.
Genome position (GRCh38, 1-based): chr3:93,874,357, A>G on the plus strand (T>C on the coding strand, the complement: PROS1 is on the minus strand). VCF-style: chr3-93874357-A-G. GRCh37 (hg19) VCF-style: chr3-93593201-A-G.
Other names: c.2015T>C, p.Met672Thr (NM_001314077.2); short protein forms M640T, M672T.
Identifiers: ClinVar variation 941623 (VCV000941623.6), dbSNP rs1708152510, ClinGen allele CA353669933.